The following is an entry in ClinVar:

ClinVar aggregate classification (germline): Uncertain significance (1 of 4 stars; one submission).

Conditions:
Dilated cardiomyopathy 1G (CMD1G). Identifiers: Orphanet 154, MedGen C1858763, MONDO:0011400, OMIM 604145.
Autosomal recessive limb-girdle muscular dystrophy type 2J (LGMDR10). Also called: Limb-girdle muscular dystrophy, type 2J; MUSCULAR DYSTROPHY, LIMB-GIRDLE, AUTOSOMAL RECESSIVE 10. Identifiers: Orphanet 140922, MedGen C1837342, MONDO:0012127, OMIM 608807.

Submission:

Labcorp Genetics (formerly Invitae), Labcorp
Classification: Uncertain significance for Dilated cardiomyopathy 1G; Autosomal recessive limb-girdle muscular dystrophy type 2J. Last evaluated: 2023-05-09. Review status: criteria provided, single submitter. Criteria: Invitae Variant Classification Sherloc (09022015). Collection method: clinical testing. Allele origin: germline.
Comment: This variant is located in the M band of TTN (PMID: 25589632). Variants in this region may be relevant for neuromuscular disorders, but have not been definitively shown to cause cardiomyopathy (PMID: 23975875). This sequence change replaces lysine, which is basic and polar, with glutamic acid, which is acidic and polar, at codon 34040 of the TTN protein (p.Lys34040Glu). This variant is not present in population databases (gnomAD no frequency). This variant has not been reported in the literature in individuals affected with TTN-related conditions. Experimental studies and prediction algorithms are not available or were not evaluated, and the functional significance of this variant is currently unknown. In summary, the available evidence is currently insufficient to determine the role of this variant in disease. Therefore, it has been classified as a Variant of Uncertain Significance.

Literature cited by the submitters: PubMed 25589632; PubMed 23975875.

NM_001267550.2(TTN):c.102118A>G (p.Lys34040Glu)

Genes: TTN (titin; minus strand), TTN-AS1 (TTN antisense RNA 1; plus strand). Cytogenetic location: 2q31.2.
Variant type: single nucleotide variant.
Coding change: c.102118A>G on transcript NM_001267550.2 (MANE Select); coding-DNA position 102118, A replaced by G.
Protein change: p.Lys34040Glu; replaces lysine 34040 with glutamic acid.
Molecular consequence: missense variant.
Genome position (GRCh38, 1-based): chr2:178,534,497, T>C on the plus strand (A>G on the coding strand, the complement: TTN is on the minus strand). VCF-style: chr2-178534497-T-C. GRCh37 (hg19) VCF-style: chr2-179399224-T-C.
Other names: c.97195A>G, p.Lys32399Glu (NM_001256850.1); c.74923A>G, p.Lys24975Glu (NM_003319.4); c.94414A>G, p.Lys31472Glu (NM_133378.4); c.75298A>G, p.Lys25100Glu (NM_133432.3); c.75499A>G, p.Lys25167Glu (NM_133437.4); short protein forms K25167E, K34040E, K24975E, K25100E, K31472E, K32399E.
Identifiers: ClinVar variation 2947603 (VCV002947603.3), dbSNP rs2468538162, ClinGen allele CA349418320.